The following is an entry in ClinVar:

ClinVar aggregate classification (germline): Likely pathogenic (1 of 4 stars; one submission).

Submission:

CeGaT Center for Human Genetics Tuebingen
Classification: Likely pathogenic. Last evaluated: 2023-01-01. Review status: criteria provided, single submitter. Criteria: CeGaT Center For Human Genetics Tuebingen Variant Classification Criteria Version 2. Collection method: clinical testing. Allele origin: germline. Affected: yes. Observed: 1 variant allele.
Comment: CAMK2B: PM2, PS2:Moderate, PVS1:Moderate

NM_001220.5(CAMK2B):c.1059+2T>C

Gene: CAMK2B (calcium/calmodulin dependent protein kinase II beta; minus strand). Cytogenetic location: 7p13.
Variant type: single nucleotide variant.
Coding change: c.1059+2T>C on transcript NM_001220.5 (MANE Select); the canonical splice donor site of the intron after coding-DNA position 1059, T replaced by C.
Molecular consequence: splice donor variant. On other transcripts: intron variant (1).
Genome position (GRCh38, 1-based): chr7:44,234,637, A>G on the plus strand (T>C on the coding strand, the complement: CAMK2B is on the minus strand). VCF-style: chr7-44234637-A-G. GRCh37 (hg19) VCF-style: chr7-44274236-A-G.
Other names: c.946+6070T>C (NM_172084.3); c.984+2T>C (NM_172080.3); c.987+2T>C (NM_172083.3, NM_172081.3, NM_172079.3); c.1059+2T>C (NM_172082.3, NM_001293170.2, NM_172078.3).
Identifiers: ClinVar variation 2499040 (VCV002499040.28), dbSNP rs2485697689, ClinGen allele CA367377349.